The following is an entry in ClinVar:

ClinVar aggregate classification (germline): Likely benign. Review status: criteria provided, multiple submitters, no conflicts (2 of 4 stars). 2 submissions from 2 submitters: Likely benign (2). Last evaluated 2018-05-10.

Conditions:
Developmental and epileptic encephalopathy, 31A. Also called: Epileptic encephalopathy, early infantile, 31; Developmental and epileptic encephalopathy, 31. Identifiers: Orphanet 2382, MedGen C4225357, MONDO:0014598, OMIM 616346.

Allele frequency attached by ClinVar (database versions not stated): gnomAD exomes below 0.00001.
gnomAD v4.1: 1 of 1,613,812 alleles (0.000062%); highest among the groups gnomAD compares: Non-Finnish European, 0.000085%; no homozygotes.

Submissions (2):

Labcorp Genetics (formerly Invitae), Labcorp
Classification: Likely benign for Developmental and epileptic encephalopathy, 31A. Last evaluated: 2018-05-10. Review status: criteria provided, single submitter. Criteria: Invitae Variant Classification Sherloc (09022015). Collection method: clinical testing. Allele origin: germline.

GeneDx
Classification: Likely benign. Last evaluated: 2017-02-09. Review status: criteria provided, single submitter. Criteria: GeneDx Variant Classification (06012015). Collection method: clinical testing. Allele origin: germline. Affected: yes.
Comment: This variant is considered likely benign or benign based on one or more of the following criteria: it is a conservative change, it occurs at a poorly conserved position in the protein, it is predicted to be benign by multiple in silico algorithms, and/or has population frequency not consistent with disease.

NM_004408.4(DNM1):c.1920G>A (p.Glu640=)

Gene: DNM1 (dynamin 1; plus strand). Cytogenetic location: 9q34.11.
Variant type: single nucleotide variant.
Coding change: c.1920G>A on transcript NM_004408.4 (MANE Select); coding-DNA position 1920, G replaced by A.
Protein change: p.Glu640=; no amino-acid change (glutamic acid 640 retained).
Molecular consequence: synonymous variant.
Genome position (GRCh38, 1-based): chr9:128,248,597, G>A. VCF-style: chr9-128248597-G-A. GRCh37 (hg19) VCF-style: chr9-131010876-G-A.
Other names: c.1920G>A, p.Glu640= (NM_001005336.3, NM_001288737.2, NM_001288738.2 and 1 more transcripts).
Identifiers: ClinVar variation 507167 (VCV000507167.9), dbSNP rs1554784647, ClinGen allele CA467262523.